The following is an entry in ClinVar:

NM_001395159.1(UNC79):c.6231G>A (p.Thr2077=)

Gene: UNC79 (unc-79 homolog, NALCN channel complex subunit; plus strand). Cytogenetic location: 14q32.12.
Variant type: single nucleotide variant.
Coding change: c.6231G>A on transcript NM_001395159.1 (MANE Select); coding-DNA position 6231, G replaced by A.
Protein change: p.Thr2077=; no amino-acid change (threonine 2077 retained).
Molecular consequence: synonymous variant.
Genome position (GRCh38, 1-based): chr14:93,641,242, G>A. VCF-style: chr14-93641242-G-A. GRCh37 (hg19) VCF-style: chr14-94107588-G-A.
Other names: c.6165G>A, p.Thr2055= (NM_001346218.2); c.5484G>A, p.Thr1828= (NM_020818.5).
Identifiers: ClinVar variation 3040189 (VCV003040189.2), dbSNP rs148566249, ClinGen allele CA7322454.

ClinVar aggregate classification (germline): Benign (0 of 4 stars; one submission).

Conditions:
UNC79-related disorder. Also called: UNC79-related condition.

Allele frequency attached by ClinVar (database versions not stated): ExAC 0.00080; 1000 Genomes Project 0.00200; gnomAD 0.00214; 1000 Genomes Project 30x 0.00234; ESP Exome Variant Server 0.00238; TOPMed 0.00239.
gnomAD v4.1: 672 of 1,611,862 alleles (0.042%); highest among the groups gnomAD compares: African/African-American, 0.77%; 2 homozygotes.

Submission:

PreventionGenetics, part of Exact Sciences
Classification: Benign for UNC79-related condition. Last evaluated: 2020-04-29. Review status: no assertion criteria provided. Collection method: clinical testing. Allele origin: germline.
Comment: This variant is classified as benign based on ACMG/AMP sequence variant interpretation guidelines (Richards et al. 2015 PMID: 25741868, with internal and published modifications).